The following is an entry in ClinVar:

ClinVar aggregate classification (germline): Uncertain significance (1 of 4 stars; one submission).

Conditions:
ALMS1-related disorder. Also called: ALMS1-related condition.

Submission:

PreventionGenetics, part of Exact Sciences
Classification: Uncertain significance for ALMS1-related condition. Last evaluated: 2026-03-06. Review status: criteria provided, single submitter. Criteria: ACMG Guidelines, 2015. Collection method: clinical testing. Allele origin: germline.
Comment: The ALMS1 c.4115C>T variant is predicted to result in the amino acid substitution p.Thr1372Ile. To our knowledge, this variant has not been reported in the literature or in a large population database (gnomAD), indicating this variant is rare. At this time, the clinical significance of this variant is uncertain due to the absence of conclusive functional and genetic evidence.

NM_001378454.1(ALMS1):c.4112C>T (p.Thr1371Ile)

Gene: ALMS1 (ALMS1 centrosome and basal body associated protein; plus strand). Cytogenetic location: 2p13.1.
Variant type: single nucleotide variant.
Coding change: c.4112C>T on transcript NM_001378454.1 (MANE Select); coding-DNA position 4112, C replaced by T.
Protein change: p.Thr1371Ile; replaces threonine 1371 with isoleucine.
Molecular consequence: missense variant.
Genome position (GRCh38, 1-based): chr2:73,450,639, C>T. VCF-style: chr2-73450639-C-T. GRCh37 (hg19) VCF-style: chr2-73677766-C-T.
Other names: c.4115C>T, p.Thr1372Ile (NM_015120.4); short protein forms T1372I, T1371I.
Identifiers: ClinVar variation 4993862 (VCV004993862.1).